The following is an entry in ClinVar:

NM_000384.3(APOB):c.13584C>G (p.Tyr4528Ter)

Genes: APOB3'MAR (APOB 3' scaffold/matrix attachment region; plus strand), APOB (apolipoprotein B; minus strand). Cytogenetic location: 2p24.1.
Variant type: single nucleotide variant.
Coding change: c.13584C>G on transcript NM_000384.3 (MANE Select); coding-DNA position 13584, C replaced by G.
Protein change: p.Tyr4528Ter; replaces tyrosine 4528 with a stop codon.
Molecular consequence: nonsense.
Genome position (GRCh38, 1-based): chr2:21,001,838, G>C on the plus strand (C>G on the coding strand, the complement: APOB is on the minus strand). VCF-style: chr2-21001838-G-C. GRCh37 (hg19) VCF-style: chr2-21224710-G-C.
Other names: short protein forms Y4528*.
Identifiers: ClinVar variation 4792914 (VCV004792914.1).

ClinVar aggregate classification (germline): Uncertain significance (1 of 4 stars; one submission).

Conditions:
Familial hypobetalipoproteinemia 1. Also called: Hypobetalipoproteinemia, normotriglyceridemic; Acanthocytosis with hypobetalipoproteinemia; APOB-Related Familial Hypobetalipoproteinemia. Identifiers: MedGen C4551990, MONDO:0014252, OMIM 615558.
Hypercholesterolemia, autosomal dominant, type B (FHCL2). Also called: Familial Hypercholesterolemia Type B; APOLIPOPROTEIN B-100, FAMILIAL DEFECTIVE; APOLIPOPROTEIN B-100, FAMILIAL LIGAND-DEFECTIVE; HYPERCHOLESTEROLEMIA, FAMILIAL, DUE TO LIGAND-DEFECTIVE APOLIPOPROTEIN B; APOB-Related Familial Hypercholesterolemia, Autosomal Dominant; Hyperlipoproteinemia Type IIb. Identifiers: MedGen C1704417, MONDO:0007751, OMIM 144010.

gnomAD v4.1: 3 of 1,614,044 alleles (0.00019%); highest among the groups gnomAD compares: Non-Finnish European, 0.00025%; no homozygotes.

Submission:

Labcorp Genetics (formerly Invitae), Labcorp
Classification: Uncertain significance for Familial hypobetalipoproteinemia 1; Hypercholesterolemia, autosomal dominant, type B. Last evaluated: 2025-10-28. Review status: criteria provided, single submitter. Criteria: Invitae Variant Classification Sherloc (09022015). Collection method: clinical testing. Allele origin: germline.
Comment: This sequence change creates a premature translational stop signal (p.Tyr4528*) in the APOB gene. While this is not anticipated to result in nonsense mediated decay, it is expected to disrupt the last 36 amino acid(s) of the APOB protein. This variant is not present in population databases (gnomAD no frequency). This variant has not been reported in the literature in individuals affected with APOB-related conditions. Experimental studies and prediction algorithms are not available or were not evaluated, and the functional significance of this variant is currently unknown. In summary, the available evidence is currently insufficient to determine the role of this variant in disease. Therefore, it has been classified as a Variant of Uncertain Significance.